The following is an entry in ClinVar:

ClinVar aggregate classification (germline): Likely benign. Review status: criteria provided, multiple submitters, no conflicts (2 of 4 stars). 6 submissions from 6 submitters: Likely benign (6). Last evaluated 2026-01-27.

Conditions:
Congenital myasthenic syndrome 8. Also called: MYASTHENIC SYNDROME, CONGENITAL, DUE TO AGRIN DEFICIENCY; Myasthenic syndrome, congenital, 8, with pre- and postsynaptic defects. Identifiers: Orphanet 590, MedGen C3808739, MONDO:0014052, OMIM 615120.

Allele frequency attached by ClinVar (database versions not stated): ESP Exome Variant Server 0.00031; gnomAD 0.00031 and 0.00034; TOPMed 0.00036; gnomAD exomes 0.00040 and 0.00055; ExAC 0.00052.
gnomAD v4.1: 663 of 1,614,046 alleles (0.041%); highest among the groups gnomAD compares: Middle Eastern, 1.3%; 5 homozygotes.

Submissions (6):

Labcorp Genetics (formerly Invitae), Labcorp
Classification: Likely benign for Congenital myasthenic syndrome 8. Last evaluated: 2026-01-27. Review status: criteria provided, single submitter. Criteria: Invitae Variant Classification Sherloc (09022015). Collection method: clinical testing. Allele origin: germline.

Blueprint Genetics
Classification: Likely benign. Last evaluated: 2024-11-06. Review status: criteria provided, single submitter. Criteria: ACMG Guidelines, 2015. Collection method: clinical testing. Allele origin: germline.

CeGaT Center for Human Genetics Tuebingen
Classification: Likely benign. Last evaluated: 2023-10-01. Review status: criteria provided, single submitter. Criteria: CeGaT Center For Human Genetics Tuebingen Variant Classification Criteria Version 2. Collection method: clinical testing. Allele origin: germline. Affected: yes. Observed: 2 variant alleles.
Comment: AGRN: BP4, BP7

Genetic Services Laboratory, University of Chicago
Classification: Likely benign. Last evaluated: 2017-09-12. Review status: criteria provided, single submitter. Criteria: ACMG Guidelines, 2015. Collection method: clinical testing. Allele origin: germline. Affected: no.

Breakthrough Genomics
Classification: Likely benign. Review status: criteria provided, single submitter. Criteria: ACMG Guidelines, 2015. Collection method: not provided. Allele origin: germline. Inheritance: Autosomal recessive inheritance. Affected: yes.

PreventionGenetics, part of Exact Sciences
Classification: Likely benign. Review status: criteria provided, single submitter. Criteria: ACMG Guidelines, 2015. Collection method: clinical testing. Allele origin: germline.

NM_198576.4(AGRN):c.2796C>T (p.Asn932=)

Gene: AGRN (agrin; plus strand). Cytogenetic location: 1p36.33.
Variant type: single nucleotide variant.
Coding change: c.2796C>T on transcript NM_198576.4 (MANE Select); coding-DNA position 2796, C replaced by T.
Protein change: p.Asn932=; no amino-acid change (asparagine 932 retained).
Molecular consequence: synonymous variant.
Genome position (GRCh38, 1-based): chr1:1,046,079, C>T. VCF-style: chr1-1046079-C-T. GRCh37 (hg19) VCF-style: chr1-981459-C-T.
Other names: c.2796C>T, p.Asn932= (NM_001305275.2); c.2481C>T, p.Asn827= (NM_001364727.2).
Identifiers: ClinVar variation 263177 (VCV000263177.44), dbSNP rs147153797, ClinGen allele CA508805.
Genomic context (GRCh38, chr1:1,046,079, plus strand): 5'-CGTGGAGGAGTCTGGCTCAGCCCACTGTGTCTGCCCGATGCTCACCTGTCCAGAGGCCAA[C>T]GCTACCAAGGTGAGGGGTGTGGGATGTGAAGGGGAGTGGGGAGGAGGCCTCGCCTTGAAC-3'
Protein context (NP_940978.2, residues 922-942): VCPMLTCPEA[Asn932=]ATKVCGSDGV